The following is an entry in ClinVar:

ClinVar aggregate classification (germline): Uncertain significance. Review status: reviewed by expert panel (3 of 4 stars). 4 submissions from 4 submitters: Uncertain significance (1). 3 of the submissions do not count toward it. Last evaluated 2024-08-01.

Conditions:
Inborn genetic diseases. Identifiers: MedGen C0950123, MeSH D030342.
Hereditary thrombocytopenia and hematologic cancer predisposition syndrome. Identifiers: Orphanet 71290, MedGen CN281654, MONDO:0011071.
Hereditary thrombocytopenia and hematological cancer predisposition syndrome associated with RUNX1. Also called: Familial Platelet Disorder with Propensity to Acute Myelogenous Leukemia; Familial thrombocytopenia with propensity to acute myelogenous leukemia; PLATELET DISORDER, ASPIRIN-LIKE; RUNX1 Familial Platelet Disorder with Associated Myeloid Malignancies. Identifiers: Orphanet 71290, MedGen C1832388, MeSH C563324, MONDO:0100083, OMIM 601399.

Allele frequency attached by ClinVar (database versions not stated): gnomAD exomes below 0.00001; TOPMed below 0.00001.

Submissions (4):

ClinGen Myeloid Malignancy Variant Curation Expert Panel
Classification: Uncertain significance for Hereditary thrombocytopenia and hematologic cancer predisposition syndrome. Last evaluated: 2024-08-01. Review status: reviewed by expert panel. Criteria: ClinGen MyeloMalig ACMG Specifications v2. Collection method: curation. Allele origin: germline. Inheritance: Autosomal dominant inheritance.
Comment: NM_001754.5:c.577A>G (p.Ile193Val) is a missense variant which is located within the Runt Homology Domain (AA 89-204), but does not occur in an established hotspot residue (PM1_supporting). In summary, the clinical significance of this variant is uncertain. ACMG/AMP criteria applied, as specified by the Myeloid Malignancy Variant Curation Expert Panel for RUNX1: PM1_supporting.

Ambry Genetics
Classification: Uncertain significance for Inborn genetic diseases. Last evaluated: 2025-01-23. Review status: criteria provided, single submitter. Criteria: Ambry Variant Classification Scheme 2023. Collection method: clinical testing. Allele origin: germline. Not counted in ClinVar's aggregate classification.
Comment: The p.I193V variant (also known as c.577A>G), located in coding exon 5 of the RUNX1 gene, results from an A to G substitution at nucleotide position 577. The isoleucine at codon 193 is replaced by valine, an amino acid with highly similar properties. This amino acid position is conserved. In addition, this alteration is predicted to be deleterious by in silico analysis. Based on the available evidence, the clinical significance of this variant remains unclear.

GeneDx
Classification: Uncertain significance. Last evaluated: 2024-02-22. Review status: criteria provided, single submitter. Criteria: GeneDx Variant Classification Process June 2021. Collection method: clinical testing. Allele origin: germline. Affected: yes. Not counted in ClinVar's aggregate classification.
Comment: Not observed at significant frequency in large population cohorts (gnomAD); In silico analysis supports that this missense variant does not alter protein structure/function; Has not been previously published as pathogenic or benign to our knowledge

Labcorp Genetics (formerly Invitae), Labcorp
Classification: Uncertain significance for Hereditary thrombocytopenia and hematological cancer predisposition syndrome associated with RUNX1. Last evaluated: 2023-11-17. Review status: criteria provided, single submitter. Criteria: Invitae Variant Classification Sherloc (09022015). Collection method: clinical testing. Allele origin: germline. Not counted in ClinVar's aggregate classification.
Comment: This sequence change replaces isoleucine, which is neutral and non-polar, with valine, which is neutral and non-polar, at codon 193 of the RUNX1 protein (p.Ile193Val). This variant is not present in population databases (gnomAD no frequency). This variant has not been reported in the literature in individuals affected with RUNX1-related conditions. ClinVar contains an entry for this variant (Variation ID: 581130). Advanced modeling of protein sequence and biophysical properties (such as structural, functional, and spatial information, amino acid conservation, physicochemical variation, residue mobility, and thermodynamic stability) has been performed at Invitae for this missense variant, however the output from this modeling did not meet the statistical confidence thresholds required to predict the impact of this variant on RUNX1 protein function. In summary, the available evidence is currently insufficient to determine the role of this variant in disease. Therefore, it has been classified as a Variant of Uncertain Significance.

NM_001754.5(RUNX1):c.577A>G (p.Ile193Val)

Genes: RUNX1 (RUNX family transcription factor 1; minus strand), RUNX1-AS1 (RUNX1 antisense RNA 1; plus strand). Cytogenetic location: 21q22.12.
Variant type: single nucleotide variant.
Coding change: c.577A>G on transcript NM_001754.5 (MANE Select); coding-DNA position 577, A replaced by G.
Protein change: p.Ile193Val; replaces isoleucine 193 with valine.
Molecular consequence: missense variant.
Genome position (GRCh38, 1-based): chr21:34,859,510, T>C on the plus strand (A>G on the coding strand, the complement: RUNX1 is on the minus strand). VCF-style: chr21-34859510-T-C. GRCh37 (hg19) VCF-style: chr21-36231807-T-C.
Other names: NM_001754.5(RUNX1):c.577A>G; p.Ile193Val; c.496A>G, p.Ile166Val (NM_001001890.3, NM_001122607.2); short protein forms I193V, I166V.
Identifiers: ClinVar variation 581130 (VCV000581130.14), dbSNP rs1569061812, ClinGen allele CA410208010.